The following is an entry in ClinVar:

NM_023110.3(FGFR1):c.185_199del (p.Gln62_Trp66del)

Gene: FGFR1 (fibroblast growth factor receptor 1; minus strand). Cytogenetic location: 8p11.23.
Variant type: Deletion.
Coding change: c.185_199del on transcript NM_023110.3 (MANE Select); coding-DNA positions 185 to 199, 15 bases deleted (AGAGCATCAACTGGC).
Protein change: p.Gln62_Trp66del.
Molecular consequence: inframe deletion. On other transcripts: intron variant (5).
Genome position (GRCh38, 1-based): chr8:38,429,841-38,429,855, GCCAGTTGATGCTCT deleted on the plus strand (AGAGCATCAACTGGC on the coding strand, the reverse complement: FGFR1 is on the minus strand); deleting any 15 consecutive bases within chr8:38,429,841-38,429,857 gives the same sequence; the c. name uses the placement nearest the transcript's 3' end. VCF-style (leftmost placement, unchanged base first): chr8-38429840-AGCCAGTTGATGCTCT-A. GRCh37 (hg19) VCF-style: chr8-38287358-AGCCAGTTGATGCTCT-A.
Other names: c.185_199del, p.Gln62_Trp66del (NM_001174063.2, NM_001174065.2, NM_001354367.2 and 2 more transcripts); c.161_175del, p.Gln54_Trp58del (NM_001174064.2); c.284_298del, p.Gln95_Trp99del (NM_001174067.2); c.92-1420_92-1406del (NM_001354368.2, NM_001354370.2, NM_023106.3 and 2 more transcripts).
Identifiers: ClinVar variation 1692992 (VCV001692992.2), dbSNP rs2150962421, ClinGen allele CA2573143140.

ClinVar aggregate classification (germline): Uncertain significance (1 of 4 stars; one submission).

Conditions:
Hypogonadotropic hypogonadism 2 with or without anosmia (HH2). Also called: HYPOGONADOTROPIC HYPOGONADISM 2 WITH OR WITHOUT ANOSMIA, SUSCEPTIBILITY TO; HYPOGONADOTROPIC HYPOGONADISM 2 WITHOUT ANOSMIA, SUSCEPTIBILITY TO; HYPOGONADOTROPIC HYPOGONADISM 2 WITHOUT ANOSMIA; FGFR1-Related GnRH Deficiency (Kallmann Syndrome 2). Identifiers: Orphanet 478, MedGen C1563720, MONDO:0007844, OMIM 147950. Disease mechanism: loss of function.

Submission:

Laboratory of Human Genetics, Universidade de São Paulo
Classification: Uncertain significance for Hypogonadotropic hypogonadism 2 with or without anosmia. Last evaluated: 2022-06-27. Review status: criteria provided, single submitter. Criteria: ACMG Guidelines, 2015. Collection method: research. Allele origin: unknown. Affected: yes. Observed: 1 heterozygote.
Comment: This variant meets our criteria to be classified as VUS based upon phenotype analysis, absence from controls, and in-silico evaluation of pathogenicity.